The following is an entry in ClinVar:

ClinVar aggregate classification (germline): Uncertain significance (1 of 4 stars; one submission).

Submission:

Greenwood Genetic Center Diagnostic Laboratories, Greenwood Genetic Center
Classification: Uncertain significance. Last evaluated: 2026-06-17. Review status: criteria provided, single submitter. Criteria: ACMG Guidelines, 2015. Collection method: clinical testing. Allele origin: germline.
Comment: PM2, PP3

NM_022168.4(IFIH1):c.1906A>G (p.Lys636Glu)

Gene: IFIH1 (interferon induced with helicase C domain 1; minus strand). Cytogenetic location: 2q24.2.
Variant type: single nucleotide variant.
Coding change: c.1906A>G on transcript NM_022168.4 (MANE Select); coding-DNA position 1906, A replaced by G.
Protein change: p.Lys636Glu; replaces lysine 636 with glutamic acid.
Molecular consequence: missense variant.
Genome position (GRCh38, 1-based): chr2:162,277,553, T>C on the plus strand (A>G on the coding strand, the complement: IFIH1 is on the minus strand). VCF-style: chr2-162277553-T-C. GRCh37 (hg19) VCF-style: chr2-163134063-T-C.
Other names: short protein forms K636E.
Identifiers: ClinVar variation 4891160 (VCV004891160.1).
Genomic context (GRCh38, chr2:162,277,553, plus strand): 5'-CATCACAATACTCATCATCACCACCCTCATCACTATCATCTTCTATGACTGCAAACTTCT[T>C]ATCTTTCTCTTCATTATAGAAAGTTTCAAGATGAGTATACGCATCTATCATTCGAATTGT-3'
Protein context (NP_071451.2, residues 626-646): LETFYNEEKD[Lys636Glu]KFAVIEDDSD